The following is an entry in ClinVar:

ClinVar aggregate classification (germline): Benign. Review status: criteria provided, multiple submitters, no conflicts (2 of 4 stars). 3 submissions from 3 submitters: Benign (3). Last evaluated 2018-07-02.

Conditions:
Papillary renal cell carcinoma type 1 (RCCP1). Also called: RENAL CELL CARCINOMA, PAPILLARY, 1, SOMATIC; Renal adenocarcinoma; Renal cell carcinoma 1; Renal cell carcinoma, somatic. Identifiers: Orphanet 47044, MedGen C1336839, OMIM 605074, HP:0011797.

Allele frequency attached by ClinVar (database versions not stated): gnomAD exomes 0.00268; 1000 Genomes Project 0.02037; gnomAD 0.02063 and 0.02223; TOPMed 0.02283; 1000 Genomes Project 30x 0.02467.
gnomAD v4.1: 4,336 of 583,806 alleles (0.74%); highest among the groups gnomAD compares: African/African-American, 7.1%; 145 homozygotes.

Submissions (3):

GeneDx
Classification: Benign. Last evaluated: 2018-07-02. Review status: criteria provided, single submitter. Criteria: GeneDx Variant Classification Process June 2021. Collection method: clinical testing. Allele origin: germline. Affected: yes.

Illumina Laboratory Services, Illumina
Classification: Benign for Papillary renal cell carcinoma type 1. Last evaluated: 2018-01-13. Review status: criteria provided, single submitter. Criteria: ICSL Variant Classification Criteria 13 December 2019. Collection method: clinical testing. Allele origin: germline.
Comment: This variant was observed in the ICSL laboratory as part of a predisposition screen in an ostensibly healthy population. It had not been previously curated by ICSL or reported in the Human Gene Mutation Database (HGMD: prior to June 1st, 2018), and was therefore a candidate for classification through an automated scoring system. Utilizing variant allele frequency, disease prevalence and penetrance estimates, and inheritance mode, an automated score was calculated to assess if this variant is too frequent to cause the disease. Based on the score and internal cut-off values, a variant classified as benign is not then subjected to further curation. The score for this variant resulted in a classification of benign for this disease.

Breakthrough Genomics
Classification: Benign. Review status: criteria provided, single submitter. Criteria: ACMG Guidelines, 2015. Collection method: not provided. Allele origin: germline. Inheritance: Autosomal recessive inheritance. Affected: yes.

NM_000245.4(MET):c.*216C>A

Gene: MET (MET proto-oncogene, receptor tyrosine kinase; plus strand). Cytogenetic location: 7q31.2.
Variant type: single nucleotide variant.
Coding change: c.*216C>A on transcript NM_000245.4 (MANE Select); 216 bases downstream of the stop codon, C replaced by A.
Molecular consequence: 3 prime UTR variant.
Genome position (GRCh38, 1-based): chr7:116,796,340, C>A. VCF-style: chr7-116796340-C-A. GRCh37 (hg19) VCF-style: chr7-116436394-C-A.
Other names: c.*216C>A (LRG_662t1, NM_001127500.3, NM_001324402.2).
Identifiers: ClinVar variation 358699 (VCV000358699.7), dbSNP rs149188493, ClinGen allele CA10625159.